The following is an entry in ClinVar:

NM_000051.4(ATM):c.6198+5A>G

Genes: ATM (ATM serine/threonine kinase; plus strand), C11orf65 (chromosome 11 open reading frame 65; minus strand). Cytogenetic location: 11q22.3.
Variant type: single nucleotide variant.
Coding change: c.6198+5A>G on transcript NM_000051.4 (MANE Select); 5 bases into the intron after coding-DNA position 6198, A replaced by G.
Molecular consequence: intron variant.
Genome position (GRCh38, 1-based): chr11:108,316,118, A>G. VCF-style: chr11-108316118-A-G. GRCh37 (hg19) VCF-style: chr11-108186845-A-G.
Other names: c.6198+5A>G (NM_001351834.2); c.641-7047T>C (NM_001330368.2); c.*39-7047T>C (NM_001351110.2).
Identifiers: ClinVar variation 219654 (VCV000219654.28), dbSNP rs771047560, ClinGen allele CA349713.

ClinVar aggregate classification (germline): Conflicting classifications of pathogenicity. Review status: criteria provided, conflicting classifications (1 of 4 stars). 7 submissions from 7 submitters: Uncertain significance (1); Likely benign (4). 2 of the submissions do not count toward it. Last evaluated 2025-06-23.

Conditions:
Hereditary cancer-predisposing syndrome. Also called: Neoplastic Syndromes, Hereditary; Hereditary neoplastic syndrome; Tumor predisposition; Hereditary Cancer Syndrome. Identifiers: Orphanet 140162, MedGen C0027672, MeSH D009386, MONDO:0015356.
Familial cancer of breast. Also called: hereditary breast carcinoma; Hereditary breast cancer; BREAST CANCER, FAMILIAL. Identifiers: Orphanet 227535, MedGen C0346153, MONDO:0016419, OMIM 114480. Disease mechanism: loss of function.
Ataxia-telangiectasia syndrome (AT). Also called: Ataxia telangiectasia (A-T); Cerebello-oculocutaneous telangiectasia; Immunodeficiency with ataxia telangiectasia; LOUIS-BAR SYNDROME; AT, COMPLEMENTATION GROUP C; ATAXIA-TELANGIECTASIA, FRESNO VARIANT. Identifiers: Orphanet 100, MedGen C0004135, MONDO:0008840, OMIM 208900.

Allele frequency attached by ClinVar (database versions not stated): TOPMed below 0.00001; gnomAD exomes 0.00002 and 0.00001; ExAC 0.00002; gnomAD 0.00001.
gnomAD v4.1: 12 of 1,613,000 alleles (0.00074%); highest among the groups gnomAD compares: South Asian, 0.012%; no homozygotes.

Submissions (7):

Labcorp Genetics (formerly Invitae), Labcorp
Classification: Uncertain significance for Ataxia-telangiectasia syndrome. Last evaluated: 2025-06-23. Review status: criteria provided, single submitter. Criteria: Invitae Variant Classification Sherloc (09022015). Collection method: clinical testing. Allele origin: germline.
Comment: This sequence change falls in intron 42 of the ATM gene. It does not directly change the encoded amino acid sequence of the ATM protein. It affects a nucleotide within the consensus splice site. This variant is present in population databases (rs771047560, gnomAD 0.01%). This variant has not been reported in the literature in individuals affected with ATM-related conditions. ClinVar contains an entry for this variant (Variation ID: 219654). Variants that disrupt the consensus splice site are a relatively common cause of aberrant splicing (PMID: 17576681, 9536098). Algorithms developed to predict the effect of sequence changes on RNA splicing suggest that this variant is not likely to affect RNA splicing. In summary, the available evidence is currently insufficient to determine the role of this variant in disease. Therefore, it has been classified as a Variant of Uncertain Significance.

Department of Pathology and Laboratory Medicine, Sinai Health System
Classification: Likely benign for Familial cancer of breast; Ataxia-telangiectasia syndrome. Last evaluated: 2024-07-31. Review status: criteria provided, single submitter. Criteria: ACMG Guidelines, 2015. Collection method: clinical testing. Allele origin: germline.

Myriad Genetics, Inc.
Classification: Likely benign for Familial cancer of breast. Last evaluated: 2024-06-03. Review status: criteria provided, single submitter. Criteria: Myriad Autosomal Dominant, Autosomal Recessive and X-Linked Classification Criteria (2023). Collection method: clinical testing. Allele origin: unknown.
Comment: This variant is considered likely benign. This variant is intronic and is not expected to impact mRNA splicing.

Ambry Genetics
Classification: Likely benign for Hereditary cancer-predisposing syndrome. Last evaluated: 2021-02-22. Review status: criteria provided, single submitter. Criteria: Ambry Variant Classification Scheme 2023. Collection method: clinical testing. Allele origin: germline.

Color Diagnostics, LLC DBA Color Health
Classification: Likely benign for Hereditary cancer-predisposing syndrome. Last evaluated: 2017-02-15. Review status: criteria provided, single submitter. Criteria: ACMG Guidelines, 2015. Collection method: clinical testing. Allele origin: germline.

Natera, Inc.
Classification: Uncertain significance for Ataxia-telangiectasia. Last evaluated: 2021-01-11. Review status: no assertion criteria provided. Collection method: clinical testing. Allele origin: germline. Not counted in ClinVar's aggregate classification.

Counsyl
Classification: Uncertain significance for Ataxia-telangiectasia syndrome. Last evaluated: 2017-02-07. Review status: no assertion criteria provided. Collection method: clinical testing. Allele origin: unknown. Not counted in ClinVar's aggregate classification.

Literature cited by the submitters: PubMed 17576681 (cited by Labcorp Genetics (formerly Invitae), Labcorp); PubMed 9536098 (cited by Labcorp Genetics (formerly Invitae), Labcorp).